The following is an entry in ClinVar:

ClinVar aggregate classification (germline): Uncertain significance. Review status: criteria provided, multiple submitters, no conflicts (2 of 4 stars). 5 submissions from 5 submitters: Uncertain significance (5). Last evaluated 2024-12-24.

Conditions:
Hereditary cancer-predisposing syndrome. Also called: Tumor predisposition; Hereditary Cancer Syndrome; Neoplastic Syndromes, Hereditary; Hereditary neoplastic syndrome. Identifiers: Orphanet 140162, MedGen C0027672, MeSH D009386, MONDO:0015356.
Familial cancer of breast. Also called: Hereditary breast cancer; BREAST CANCER, FAMILIAL; hereditary breast carcinoma. Identifiers: Orphanet 227535, MedGen C0346153, MONDO:0016419, OMIM 114480. Disease mechanism: loss of function.
Ataxia-telangiectasia syndrome (AT). Also called: Cerebello-oculocutaneous telangiectasia; Immunodeficiency with ataxia telangiectasia; Ataxia telangiectasia (A-T); LOUIS-BAR SYNDROME; ATAXIA-TELANGIECTASIA, COMPLEMENTATION GROUP A; ATAXIA-TELANGIECTASIA, FRESNO VARIANT. Identifiers: Orphanet 100, MedGen C0004135, MONDO:0008840, OMIM 208900.

Allele frequency attached by ClinVar (database versions not stated): gnomAD exomes below 0.00001; TOPMed 0.00001.
gnomAD v4.1: 6 of 1,585,170 alleles (0.00038%); highest among the groups gnomAD compares: South Asian, 0.0011%; no homozygotes.

Submissions (5):

Labcorp Genetics (formerly Invitae), Labcorp
Classification: Uncertain significance for Ataxia-telangiectasia syndrome. Last evaluated: 2024-12-24. Review status: criteria provided, single submitter. Criteria: Invitae Variant Classification Sherloc (09022015). Collection method: clinical testing. Allele origin: germline.
Comment: This sequence change replaces leucine, which is neutral and non-polar, with proline, which is neutral and non-polar, at codon 1222 of the ATM protein (p.Leu1222Pro). This variant is not present in population databases (gnomAD no frequency). This missense change has been observed in individual(s) with clinical features of ATM-related conditions (PMID: 21787400). ClinVar contains an entry for this variant (Variation ID: 216203). Invitae Evidence Modeling of protein sequence and biophysical properties (such as structural, functional, and spatial information, amino acid conservation, physicochemical variation, residue mobility, and thermodynamic stability) has been performed for this missense variant. However, the output from this modeling did not meet the statistical confidence thresholds required to predict the impact of this variant on ATM protein function. In summary, the available evidence is currently insufficient to determine the role of this variant in disease. Therefore, it has been classified as a Variant of Uncertain Significance.

Ambry Genetics
Classification: Uncertain significance for Hereditary cancer-predisposing syndrome. Last evaluated: 2024-07-23. Review status: criteria provided, single submitter. Criteria: Ambry Variant Classification Scheme 2023. Collection method: clinical testing. Allele origin: germline.
Comment: The p.L1222P variant (also known as c.3665T>C), located in coding exon 24 of the ATM gene, results from a T to C substitution at nucleotide position 3665. The leucine at codon 1222 is replaced by proline, an amino acid with similar properties. In a study assessing 76 rare sequence variants in the ATM gene, variants were grouped into three categories of likely pathogenicity based on in silico analysis and conditional logistic regression; this alteration was in Group 2, the group containing variants of unknown or borderline potential for pathogenicity (Goldgar DE et al. Breast Cancer Res. 2011 Jul 25;13(4):R73). This amino acid position is highly conserved in available vertebrate species. In addition, this alteration is predicted to be deleterious by in silico analysis. Based on the available evidence, the clinical significance of this variant remains unclear.

Baylor Genetics
Classification: Uncertain significance for Familial cancer of breast. Last evaluated: 2024-03-27. Review status: criteria provided, single submitter. Criteria: ACMG Guidelines, 2015. Collection method: clinical testing. Allele origin: unknown.

GeneDx
Classification: Uncertain significance. Last evaluated: 2022-02-14. Review status: criteria provided, single submitter. Criteria: GeneDx Variant Classification Process June 2021. Collection method: clinical testing. Allele origin: germline. Affected: yes.
Comment: Not observed at significant frequency in large population cohorts (gnomAD); In silico analysis supports that this missense variant has a deleterious effect on protein structure/function; This variant is associated with the following publications: (PMID: 27720647, 21787400)

Women's Health and Genetics/Laboratory Corporation of America, LabCorp
Classification: Uncertain significance. Last evaluated: 2018-02-16. Review status: criteria provided, single submitter. Criteria: LabCorp Variant Classification Summary - May 2015. Collection method: clinical testing. Allele origin: germline.
Comment: Variant summary: ATM c.3665T>C (p.Leu1222Pro) results in a non-conservative amino acid change in the encoded protein sequence. Four of five in-silico tools predict a damaging effect of the variant on protein function. However, these predictions have yet to be functionally assessed. The variant was absent in 120124 control chromosomes (ExAC). The available data on variant occurrences in the general population are insufficient to allow any conclusion about variant significance. The variant, c.3665T>C, has been reported in the literature in individuals affected with Ataxia-Telangiectasia. These report(s) do not provide unequivocal conclusions about association of the variant with Ataxia-Telangiectasia. To our knowledge, no experimental evidence demonstrating an impact on protein function has been reported. Two clinical diagnostic laboratories have submitted clinical-significance assessments for this variant to ClinVar after 2014 without evidence for independent evaluation. All laboratories classified the variant as uncertain significance. Based on the evidence outlined above, the variant was classified as uncertain significance.

Literature cited by the submitters: PubMed 21787400 (cited by 3 submitters).

NM_000051.4(ATM):c.3665T>C (p.Leu1222Pro)

Gene: ATM (ATM serine/threonine kinase; plus strand). Cytogenetic location: 11q22.3.
Variant type: single nucleotide variant.
Coding change: c.3665T>C on transcript NM_000051.4 (MANE Select); coding-DNA position 3665, T replaced by C.
Protein change: p.Leu1222Pro; replaces leucine 1222 with proline.
Molecular consequence: missense variant.
Genome position (GRCh38, 1-based): chr11:108,282,798, T>C. VCF-style: chr11-108282798-T-C. GRCh37 (hg19) VCF-style: chr11-108153525-T-C.
Other names: c.3665T>C, p.Leu1222Pro (NM_001351834.2); short protein forms L1222P.
Identifiers: ClinVar variation 216203 (VCV000216203.16), dbSNP rs863224563, ClinGen allele CA337299.
Genomic context (GRCh38, chr11:108,282,798, plus strand): 5'-GATATAGACGTTTAGAAGACTTTATGGCATCTCATTTAGATTATCTGGTTTTGGAATGGC[T>C]AAATCTTCAAGATACTGAATACAACTTATCTTCTTTTCCTTTTATTTTATTAAACTACAC-3'
Protein context (NP_000042.3, residues 1212-1232): SHLDYLVLEW[Leu1222Pro]NLQDTEYNLS